The following is an entry in ClinVar:

NM_004304.5(ALK):c.2488-2A>G

Gene: ALK (ALK receptor tyrosine kinase; minus strand). Cytogenetic location: 2p23.2.
Variant type: single nucleotide variant.
Coding change: c.2488-2A>G on transcript NM_004304.5 (MANE Select); the canonical splice acceptor site of the intron before coding-DNA position 2488, A replaced by G.
Molecular consequence: splice acceptor variant.
Genome position (GRCh38, 1-based): chr2:29,232,450, T>C on the plus strand (A>G on the coding strand, the complement: ALK is on the minus strand). VCF-style: chr2-29232450-T-C. GRCh37 (hg19) VCF-style: chr2-29455316-T-C.
Identifiers: ClinVar variation 2499934 (VCV002499934.2), dbSNP rs2465986658, ClinGen allele CA346472074.
Genomic context (GRCh38, chr2:29,232,450, plus strand): 5'-TAGGCCCTGCCACCACCTCCGGCTGCAATGATCAGGGGCACCGGCACTCCATCCTTCATC[T>C]GACCAGGGGAGACATTCAGACATTGAGAAACCGAGCTGTGCTTCCCCCTGGAGCCCCTAA-3'

ClinVar aggregate classification (germline): Uncertain significance. Review status: criteria provided, multiple submitters, no conflicts (2 of 4 stars). 2 submissions from 2 submitters: Uncertain significance (2). Last evaluated 2025-10-21.

Conditions:
Neuroblastoma, susceptibility to, 3. Also called: ALK-Related Neuroblastic Tumor Susceptibility. Identifiers: Orphanet 635, MedGen C2751681, MONDO:0013083, OMIM 613014.

Submissions (2):

Labcorp Genetics (formerly Invitae), Labcorp
Classification: Uncertain significance for Neuroblastoma, susceptibility to, 3. Last evaluated: 2025-10-21. Review status: criteria provided, single submitter. Criteria: Invitae Variant Classification Sherloc (09022015). Collection method: clinical testing. Allele origin: germline.
Comment: This sequence change affects an acceptor splice site in intron 14 of the ALK gene. It is expected to disrupt RNA splicing. Variants that disrupt the donor or acceptor splice site typically lead to a loss of protein function (PMID: 16199547), however the current clinical and genetic evidence is not sufficient to establish whether loss-of-function variants in ALK cause disease. This variant is not present in population databases (gnomAD no frequency). This variant has not been reported in the literature in individuals affected with ALK-related conditions. ClinVar contains an entry for this variant (Variation ID: 2499934). Algorithms developed to predict the effect of sequence changes on RNA splicing suggest that this variant may disrupt the consensus splice site. In summary, the available evidence is currently insufficient to determine the role of this variant in disease. Therefore, it has been classified as a Variant of Uncertain Significance.

GeneDx
Classification: Uncertain significance. Last evaluated: 2022-10-24. Review status: criteria provided, single submitter. Criteria: GeneDx Variant Classification Process June 2021. Collection method: clinical testing. Allele origin: germline. Affected: yes.
Comment: Not observed at significant frequency in large population cohorts (gnomAD); Canonical splice site variant in a gene or region of a gene for which loss of function is not a well-established mechanism of disease; Has not been previously published as pathogenic or benign to our knowledge

Literature cited by the submitters: PubMed 16199547 (cited by Labcorp Genetics (formerly Invitae), Labcorp).